The following is an entry in ClinVar:

NM_024496.4(IRF2BPL):c.1436C>T (p.Pro479Leu)

Gene: IRF2BPL (interferon regulatory factor 2 binding protein like; minus strand). Cytogenetic location: 14q24.3.
Variant type: single nucleotide variant.
Coding change: c.1436C>T on transcript NM_024496.4 (MANE Select); coding-DNA position 1436, C replaced by T.
Protein change: p.Pro479Leu; replaces proline 479 with leucine.
Molecular consequence: missense variant.
Genome position (GRCh38, 1-based): chr14:77,026,357, G>A on the plus strand (C>T on the coding strand, the complement: IRF2BPL is on the minus strand). VCF-style: chr14-77026357-G-A. GRCh37 (hg19) VCF-style: chr14-77492700-G-A.
Other names: c.1436C>T (NM_024496.3); short protein forms P479L.
Identifiers: ClinVar variation 1701617 (VCV001701617.3), dbSNP rs2140377693, ClinGen allele CA390494220.
Genomic context (GRCh38, chr14:77,026,357, plus strand): 5'-TAGGGCTGGGGCAGCATGTCGGCGCCGGGCACGCCCTCCTTGAAGAAGCGCACGGCTTCG[G>A]GGAGCAGGTCTCCAAGCAGGCGCCAGTCCCCGGAGCCGTGCTTCTTTTCGTACTCCAGGT-3'
Protein context (NP_078772.1, residues 469-489): GDWRLLGDLL[Pro479Leu]EAVRFFKEGV

ClinVar aggregate classification (germline): Pathogenic/Likely pathogenic. Review status: criteria provided, multiple submitters, no conflicts (2 of 4 stars). 2 submissions from 2 submitters: Pathogenic (1); Likely pathogenic (1). Last evaluated 2025-03-04.

Conditions:
Neurodevelopmental disorder with regression, abnormal movements, loss of speech, and seizures. Identifiers: Orphanet 597623, MedGen C4748127, MONDO:0060759, OMIM 618088.

Allele frequency attached by ClinVar (database versions not stated): gnomAD exomes below 0.00001.

Submissions (2):

GeneDx
Classification: Pathogenic. Last evaluated: 2025-03-04. Review status: criteria provided, single submitter. Criteria: GeneDx Variant Classification Process June 2021. Collection method: clinical testing. Allele origin: germline.
Comment: Not observed at significant frequency in large population cohorts (gnomAD); In silico analysis supports that this missense variant has a deleterious effect on protein structure/function; This variant is associated with the following publications: (PMID: 37334874)

New York Genome Center
Classification: Likely pathogenic for Neurodevelopmental disorder with regression, abnormal movements, loss of speech, and seizures. Last evaluated: 2021-10-06. Review status: criteria provided, single submitter. Criteria: NYGC Assertion Criteria 2020. Collection method: clinical testing. Allele origin: de novo. Observed: 1 heterozygote. Study: CSER-NYCKidSeq.
Comment: The de novo missense variant c.1436C>T, p.Pro479Leu identified in the IRF2BPL gene has not been reported in individuals with IRF2BPL-related disorder. This variant is absent in gnomAD v3.1.1, suggesting it is not a common benign variant in the populations represented in this database. In silico algorithms predict a deleterious effect. Based on the available evidence, the de novo missense variant c.1436C>T, p.Pro479Leu in the IRF2BPL gene is classified as likely pathogenic.